The following is an entry in ClinVar:

NM_001367624.2(ZNF469):c.476G>A (p.Gly159Glu)

Gene: ZNF469 (zinc finger protein 469; plus strand). Cytogenetic location: 16q24.2.
Variant type: single nucleotide variant.
Coding change: c.476G>A on transcript NM_001367624.2 (MANE Select); coding-DNA position 476, G replaced by A.
Protein change: p.Gly159Glu; replaces glycine 159 with glutamic acid.
Molecular consequence: missense variant.
Genome position (GRCh38, 1-based): chr16:88,427,946, G>A. VCF-style: chr16-88427946-G-A. GRCh37 (hg19) VCF-style: chr16-88494354-G-A.
Other names: NM_001127464.1:c.476G>A; short protein forms G159E.
Identifiers: ClinVar variation 1742954 (VCV001742954.2), dbSNP rs2507571340, ClinGen allele CA397060150.

ClinVar aggregate classification (germline): Uncertain significance (1 of 4 stars; one submission).

Conditions:
Cardiovascular phenotype. Identifiers: MedGen CN230736.

Allele frequency attached by ClinVar (database versions not stated): gnomAD exomes below 0.00001.
gnomAD v4.1: 3 of 1,549,940 alleles (0.00019%); highest among the groups gnomAD compares: Non-Finnish European, 0.000087%; no homozygotes.

Submission:

Ambry Genetics
Classification: Uncertain significance for Cardiovascular phenotype. Last evaluated: 2021-06-22. Review status: criteria provided, single submitter. Criteria: Ambry Variant Classification Scheme 2023. Collection method: clinical testing. Allele origin: germline.
Comment: The p.G159E variant (also known as c.476G>A), located in coding exon 1 of the ZNF469 gene, results from a G to A substitution at nucleotide position 476. The glycine at codon 159 is replaced by glutamic acid, an amino acid with similar properties. This amino acid position is conserved. In addition, this alteration is predicted to be tolerated by in silico analysis. Since supporting evidence is limited at this time, the clinical significance of this alteration remains unclear.